The following is an entry in ClinVar:

ClinVar aggregate classification (germline): Pathogenic. Review status: reviewed by expert panel (3 of 4 stars). 3 submissions from 3 submitters: Pathogenic (1). 2 of the submissions do not count toward it. Last evaluated 2026-10-30.

Conditions:
Retinal dystrophy. Also called: Inherited retinal dystrophy. Identifiers: Orphanet 71862, MedGen C0854723, MeSH D058499, MONDO:0019118, HP:0000556.
RPGR-related retinopathy. Also called: RPGR retinopathy. Identifiers: MedGen CN305589, MONDO:0100437.
Retinitis pigmentosa (RP). Identifiers: Orphanet 791, MedGen C0035334, MeSH D012174, MONDO:0019200, OMIM 268000. Inheritance: Autosomal dominant, autosomal recessive and X linked inheritance.

Submissions (3):

ClinGen X-linked Inherited Retinal Disease Variant Curation Expert Panel, ClinGen
Classification: Pathogenic for RPGR-related retinopathy. Last evaluated: 2026-10-30. Review status: reviewed by expert panel. Criteria: ClinGen X LinkedIRD ACMG Specifications RPGR V1.0.0. Collection method: curation. Allele origin: germline. Inheritance: X-linked inheritance.
Comment: NM_001034853.2(RPGR):c.389_390del (p.Phe130SerfsTer4) is a frameshift variant due to the deletion of two nucleotides that introduces a premature stop codon after 130 amino acids in exon 5 of 15, which is predicted to disrupt a critical C-terminal region required for proper glutamylation of RPGR (PVS1, PMID: 36445968). This variant is absent from hemizygous individuals in gnomAD v4.1.2 (PM2_Supporting). At least one proband harboring this variant exhibits a phenotype including family history consistent with X-linked inheritance (no male-to-male transmission, 2 pts), whole exome sequencing with target analysis of retinal disease-associated genes (2 pts), first/second decade onset (1 pt), visual field constrictions (0.5 pts), and pigmentary retinopathy (0.5 pts), which together are specific for RPGR-related retinopathy (6 points, PP4). In summary, this variant is classified as Pathogenic for RPGR-related retinopathy based on the ClinGen X-linked Inherited Retinal Disease Expert Panel Specifications to the ACMG/AMP Variant Interpretation Guidelines for RPGR Version 1.0.0: PVS1, PMS2_Supporting, and PP4.

Dept Of Ophthalmology, Nagoya University
Classification: Pathogenic for Retinal dystrophy. Last evaluated: 2023-10-01. Review status: criteria provided, single submitter. Criteria: Submitter's publication. Collection method: research. Allele origin: germline. Affected: yes. Not counted in ClinVar's aggregate classification.

Mendelics
Classification: Pathogenic for Retinitis pigmentosa. Last evaluated: 2019-05-28. Review status: criteria provided, single submitter. Criteria: Mendelics Assertion Criteria 2017. Collection method: clinical testing. Allele origin: unknown. Not counted in ClinVar's aggregate classification.

NM_001034853.2(RPGR):c.389_390del (p.Phe130fs)

Gene: RPGR (retinitis pigmentosa GTPase regulator; minus strand). Cytogenetic location: Xp11.4.
Variant type: Deletion.
Coding change: c.389_390del on transcript NM_001034853.2 (MANE Select); coding-DNA positions 389 to 390, 2 bases deleted (TT; older notation c.389_390delTT).
Protein change: p.Phe130fs; shifts the reading frame from phenylalanine 130.
Molecular consequence: frameshift variant. On other transcripts: non-coding transcript variant (6).
Genome position (GRCh38, 1-based): chrX:38,318,908-38,318,909, AA deleted on the plus strand (TT on the coding strand, the reverse complement: RPGR is on the minus strand); deleting any 2 consecutive bases within chrX:38,318,908-38,318,911 gives the same sequence; the c. name uses the placement nearest the transcript's 3' end. VCF-style (leftmost placement, unchanged base first): chrX-38318907-GAA-G. GRCh37 (hg19) VCF-style: chrX-38178160-GAA-G.
Other names: c.389_390del, p.Phe130fs (NM_000328.3, NM_001367245.1, NM_001367246.1 and 3 more transcripts); c.419_420del, p.Phe140fs (NM_001367248.1); c.386_387del, p.Phe129fs (NM_001367249.1); c.389_390delTT (NM_001034853.2); short protein forms F130fs, F140fs, F129fs.
Identifiers: ClinVar variation 803971 (VCV000803971.3), dbSNP rs1601974881, ClinGen allele CA915951023.